The following is an entry in ClinVar:

NM_006017.3(PROM1):c.1789G>A (p.Glu597Lys)

Gene: PROM1 (prominin 1; minus strand). Cytogenetic location: 4p15.32.
Variant type: single nucleotide variant.
Coding change: c.1789G>A on transcript NM_006017.3 (MANE Select); coding-DNA position 1789, G replaced by A.
Protein change: p.Glu597Lys; replaces glutamic acid 597 with lysine.
Molecular consequence: missense variant.
Genome position (GRCh38, 1-based): chr4:15,992,370, C>T on the plus strand (G>A on the coding strand, the complement: PROM1 is on the minus strand). VCF-style: chr4-15992370-C-T. GRCh37 (hg19) VCF-style: chr4-15993993-C-T.
Other names: c.1762G>A, p.Glu588Lys (NM_001145847.2, NM_001145848.2, NM_001145851.2 and 4 more transcripts); c.1789G>A, p.Glu597Lys (NM_001145849.2, NM_001145850.2); short protein forms E588K, E597K.
Identifiers: ClinVar variation 1492819 (VCV001492819.8), dbSNP rs2149123669, ClinGen allele CA356431020.

ClinVar aggregate classification (germline): Uncertain significance (1 of 4 stars; one submission).

Submission:

Labcorp Genetics (formerly Invitae), Labcorp
Classification: Uncertain significance. Last evaluated: 2020-12-10. Review status: criteria provided, single submitter. Criteria: Invitae Variant Classification Sherloc (09022015). Collection method: clinical testing. Allele origin: germline.
Comment: In summary, the available evidence is currently insufficient to determine the role of this variant in disease. Therefore, it has been classified as a Variant of Uncertain Significance. Algorithms developed to predict the effect of missense changes on protein structure and function output the following: SIFT: "Tolerated"; PolyPhen-2: "Benign"; Align-GVGD: "Class C0". The lysine amino acid residue is found in multiple mammalian species, suggesting that this missense change does not adversely affect protein function. These predictions have not been confirmed by published functional studies and their clinical significance is uncertain. This variant has not been reported in the literature in individuals with PROM1-related conditions. This variant is not present in population databases (ExAC no frequency). This sequence change replaces glutamic acid with lysine at codon 597 of the PROM1 protein (p.Glu597Lys). The glutamic acid residue is weakly conserved and there is a small physicochemical difference between glutamic acid and lysine.